The following is an entry in ClinVar:

NM_000501.4(ELN):c.1357G>A (p.Gly453Arg)

Gene: ELN (elastin; plus strand). Cytogenetic location: 7q11.23.
Variant type: single nucleotide variant.
Coding change: c.1357G>A on transcript NM_000501.4 (MANE Select); coding-DNA position 1357, G replaced by A.
Protein change: p.Gly453Arg; replaces glycine 453 with arginine.
Molecular consequence: missense variant.
Genome position (GRCh38, 1-based): chr7:74,056,713, G>A. VCF-style: chr7-74056713-G-A. GRCh37 (hg19) VCF-style: chr7-73471043-G-A.
Other names: c.1327G>A, p.Gly443Arg (NM_001081752.3, NM_001278917.2); c.1372G>A, p.Gly458Arg (NM_001081753.3, NM_001081754.3); c.1357G>A, p.Gly453Arg (NM_001081755.3, NM_001278912.2, NM_001278915.2); c.1171G>A, p.Gly391Arg (NM_001278913.2); c.1342G>A, p.Gly448Arg (NM_001278914.2); c.1315G>A, p.Gly439Arg (NM_001278916.2); c.1147G>A, p.Gly383Arg (NM_001278918.2); c.1357G>A, p.Gly453Ser (NM_001278939.2); short protein forms G453R, G453S, G383R, G439R, G448R, G458R, G391R, G443R.
Identifiers: ClinVar variation 592124 (VCV000592124.3), dbSNP rs781802762, ClinGen allele CA4292955.

ClinVar aggregate classification (germline): Uncertain significance. Review status: criteria provided, single submitter (1 of 4 stars). 2 submissions from 2 submitters: Uncertain significance (1). 1 of the submissions does not count toward it. Last evaluated 2025-03-05.

Conditions:
ELN-related disorder.
Supravalvar aortic stenosis (SVAS). Also called: Supravalvar aortic stenosis, Eisenberg type. Identifiers: Orphanet 3193, MedGen C0003499, MONDO:0008504, OMIM 185500, HP:0004381.

Allele frequency attached by ClinVar (database versions not stated): gnomAD exomes 0.00002; TOPMed 0.00002; ExAC 0.00003; gnomAD 0.00003.
gnomAD v4.1: 27 of 1,613,650 alleles (0.0017%); highest among the groups gnomAD compares: African/African-American, 0.012%; no homozygotes.

Submissions (2):

Labcorp Genetics (formerly Invitae), Labcorp
Classification: Uncertain significance for Supravalvar aortic stenosis. Last evaluated: 2025-03-05. Review status: criteria provided, single submitter. Criteria: Invitae Variant Classification Sherloc (09022015). Collection method: clinical testing. Allele origin: germline.
Comment: This sequence change replaces glycine, which is neutral and non-polar, with serine, which is neutral and polar, at codon 453 of the ELN protein (p.Gly453Ser). This variant also falls at the last nucleotide of exon 21, which is part of the consensus splice site for this exon. This variant is present in population databases (rs781802762, gnomAD 0.007%). This variant has not been reported in the literature in individuals affected with ELN-related conditions. ClinVar contains an entry for this variant (Variation ID: 592124). Experimental studies and prediction algorithms are not available or were not evaluated, and the functional significance of this variant is currently unknown. Variants that disrupt the consensus splice site are a relatively common cause of aberrant splicing (PMID: 17576681, 9536098). In summary, the available evidence is currently insufficient to determine the role of this variant in disease. Therefore, it has been classified as a Variant of Uncertain Significance.

Biochemical Molecular Genetic Laboratory, King Abdulaziz Medical City
Classification: Uncertain significance for ELN-related disorder. Last evaluated: 2018-06-13. Review status: no assertion criteria provided. Collection method: clinical testing. Allele origin: germline. Affected: yes. Not counted in ClinVar's aggregate classification.

Literature cited by the submitters: PubMed 17576681 (cited by Labcorp Genetics (formerly Invitae), Labcorp); PubMed 9536098 (cited by Labcorp Genetics (formerly Invitae), Labcorp).